The following is an entry in ClinVar:

NM_000400.4(ERCC2):c.326T>G (p.Leu109Arg)

Gene: ERCC2 (ERCC excision repair 2, TFIIH core complex helicase subunit; minus strand). Cytogenetic location: 19q13.32.
Variant type: single nucleotide variant.
Coding change: c.326T>G on transcript NM_000400.4 (MANE Select); coding-DNA position 326, T replaced by G.
Protein change: p.Leu109Arg; replaces leucine 109 with arginine.
Molecular consequence: missense variant.
Genome position (GRCh38, 1-based): chr19:45,368,664, A>C on the plus strand (T>G on the coding strand, the complement: ERCC2 is on the minus strand). VCF-style: chr19-45368664-A-C. GRCh37 (hg19) VCF-style: chr19-45871922-A-C.
Other names: c.254T>G, p.Leu85Arg (NM_001130867.2); short protein forms L109R, L85R.
Identifiers: ClinVar variation 1729618 (VCV001729618.2), dbSNP rs2514043757, ClinGen allele CA406378179.
Genomic context (GRCh38, chr19:45,368,664, plus strand): 5'-GGCAAGGAGAAGGAACAGGTGCTCACCTCAGGGTGAATACACAAGTTTTTGCGGGAGCTC[A>C]GAGCCAGTCCCAGAAACGGCAGCTTCTCGCCCTCCTGCTTCTCATAGAAGTTGAGCAACT-3'
Protein context (NP_000391.1, residues 99-119): GEKLPFLGLA[Leu109Arg]SSRKNLCIHP

ClinVar aggregate classification (germline): Uncertain significance (1 of 4 stars; one submission).

Conditions:
Inborn genetic diseases. Identifiers: MedGen C0950123, MeSH D030342.

Submission:

Ambry Genetics
Classification: Uncertain significance for Inborn genetic diseases. Last evaluated: 2021-12-30. Review status: criteria provided, single submitter. Criteria: Ambry Variant Classification Scheme 2023. Collection method: clinical testing. Allele origin: germline.
Comment: The p.L109R variant (also known as c.326T>G), located in coding exon 5 of the ERCC2 gene, results from a T to G substitution at nucleotide position 326. The leucine at codon 109 is replaced by arginine, an amino acid with dissimilar properties. This amino acid position is conserved. In addition, this alteration is predicted to be deleterious by in silico analysis. Since supporting evidence is limited at this time, the clinical significance of this alteration remains unclear.